The following is an entry in ClinVar:

NM_000562.3(C8A):c.1124G>T (p.Cys375Phe)

Gene: C8A (complement C8 alpha chain; plus strand). Cytogenetic location: 1p32.2.
Variant type: single nucleotide variant.
Coding change: c.1124G>T on transcript NM_000562.3 (MANE Select); coding-DNA position 1124, G replaced by T.
Protein change: p.Cys375Phe; replaces cysteine 375 with phenylalanine.
Molecular consequence: missense variant.
Genome position (GRCh38, 1-based): chr1:56,906,694, G>T. VCF-style: chr1-56906694-G-T. GRCh37 (hg19) VCF-style: chr1-57372367-G-T.
Other names: c.1124G>T (NM_000562.2); short protein forms C375F.
Identifiers: ClinVar variation 1379666 (VCV001379666.9), dbSNP rs746053665, ClinGen allele CA875257.
Genomic context (GRCh38, chr1:56,906,694, plus strand): 5'-AGCATTTTGTGTTTCTCTGTCTCCCTGTTGCAGGTATTACCAGCAGAGATATCACGACAT[G>T]TTTTGGAGGCTCCTTGGGCATTCAATATGAAGACAAAATAAATGTTGGTGGAGGTTTATC-3'
Protein context (NP_000553.1, residues 365-385): LGITSRDITT[Cys375Phe]FGGSLGIQYE

ClinVar aggregate classification (germline): Uncertain significance. Review status: criteria provided, multiple submitters, no conflicts (2 of 4 stars). 2 submissions from 2 submitters: Uncertain significance (2). Last evaluated 2025-08-08.

gnomAD v4.1: 7 of 1,614,096 alleles (0.00043%); highest among the groups gnomAD compares: Admixed American, 0.012%; no homozygotes.

Submissions (2):

Ambry Genetics
Classification: Uncertain significance. Last evaluated: 2025-08-08. Review status: criteria provided, single submitter. Criteria: Ambry Variant Classification Scheme 2023. Collection method: clinical testing. Allele origin: germline.

Labcorp Genetics (formerly Invitae), Labcorp
Classification: Uncertain significance. Last evaluated: 2022-08-23. Review status: criteria provided, single submitter. Criteria: Invitae Variant Classification Sherloc (09022015). Collection method: clinical testing. Allele origin: germline.
Comment: ClinVar contains an entry for this variant (Variation ID: 1379666). This variant has not been reported in the literature in individuals affected with C8A-related conditions. This variant is present in population databases (rs746053665, gnomAD 0.01%). This sequence change replaces cysteine, which is neutral and slightly polar, with phenylalanine, which is neutral and non-polar, at codon 375 of the C8A protein (p.Cys375Phe). Algorithms developed to predict the effect of missense changes on protein structure and function (SIFT, PolyPhen-2, Align-GVGD) all suggest that this variant is likely to be disruptive. In summary, the available evidence is currently insufficient to determine the role of this variant in disease. Therefore, it has been classified as a Variant of Uncertain Significance.